The following is an entry in ClinVar:

NM_001358291.2(RMI1):c.542T>C (p.Leu181Ser)

Gene: RMI1 (RecQ mediated genome instability 1; plus strand). Cytogenetic location: 9q21.32.
Variant type: single nucleotide variant.
Coding change: c.542T>C on transcript NM_001358291.2 (MANE Select); coding-DNA position 542, T replaced by C.
Protein change: p.Leu181Ser; replaces leucine 181 with serine.
Molecular consequence: missense variant.
Genome position (GRCh38, 1-based): chr9:84,001,528, T>C. VCF-style: chr9-84001528-T-C. GRCh37 (hg19) VCF-style: chr9-86616443-T-C.
Other names: c.542T>C, p.Leu181Ser (NM_001358292.2, NM_001358293.2, NM_001358294.2 and 1 more transcripts); short protein forms L181S.
Identifiers: ClinVar variation 3037486 (VCV003037486.2), dbSNP rs200956667, ClinGen allele CA5104444.

ClinVar aggregate classification (germline): Likely benign (0 of 4 stars; one submission).

Conditions:
RMI1-related disorder. Also called: RMI1-related condition.

Allele frequency attached by ClinVar (database versions not stated): TOPMed 0.00028; ESP Exome Variant Server 0.00031; gnomAD 0.00038; gnomAD exomes 0.00058; ExAC 0.00073.
gnomAD v4.1: 886 of 1,613,684 alleles (0.055%); highest among the groups gnomAD compares: Non-Finnish European, 0.063%; 1 homozygote.

Submission:

PreventionGenetics, part of Exact Sciences
Classification: Likely benign for RMI1-related condition. Last evaluated: 2022-02-22. Review status: no assertion criteria provided. Collection method: clinical testing. Allele origin: germline.
Comment: This variant is classified as likely benign based on ACMG/AMP sequence variant interpretation guidelines (Richards et al. 2015 PMID: 25741868, with internal and published modifications).